The following is an entry in ClinVar:

ClinVar aggregate classification (germline): Uncertain significance (1 of 4 stars; one submission).

gnomAD v4.1: 7 of 1,613,942 alleles (0.00043%); highest among the groups gnomAD compares: Non-Finnish European, 0.00059%; no homozygotes.

Submission:

Women's Health and Genetics/Laboratory Corporation of America, LabCorp
Classification: Uncertain significance. Last evaluated: 2025-12-23. Review status: criteria provided, single submitter. Criteria: LabCorp Variant Classification Summary - May 2015. Collection method: clinical testing. Allele origin: germline.
Comment: Variant summary: MYH3 c.343A>T (p.Ile115Phe) results in a non-conservative amino acid change in the encoded protein sequence. Algorithms developed to predict the effect of missense changes on protein structure and function all suggest that this variant is likely to be disruptive. The variant was absent in 251428 control chromosomes. The available data on variant occurrences in the general population are insufficient to allow any conclusion about variant significance. To our knowledge, no occurrence of c.343A>T in individuals affected with MYH3-related conditions and no experimental evidence demonstrating its impact on protein function have been reported. No submitters have cited clinical-significance assessments for this variant to ClinVar. Based on the evidence outlined above, the variant was classified as uncertain significance.

NM_002470.4(MYH3):c.343A>T (p.Ile115Phe)

Gene: MYH3 (myosin heavy chain 3; minus strand). Cytogenetic location: 17p13.1.
Variant type: single nucleotide variant.
Coding change: c.343A>T on transcript NM_002470.4 (MANE Select); coding-DNA position 343, A replaced by T.
Protein change: p.Ile115Phe; replaces isoleucine 115 with phenylalanine.
Molecular consequence: missense variant.
Genome position (GRCh38, 1-based): chr17:10,652,425, T>A on the plus strand (A>T on the coding strand, the complement: MYH3 is on the minus strand). VCF-style: chr17-10652425-T-A. GRCh37 (hg19) VCF-style: chr17-10555742-T-A.
Other names: short protein forms I115F.
Identifiers: ClinVar variation 4688879 (VCV004688879.1).
Genomic context (GRCh38, chr17:10,652,425, plus strand): 5'-CCCCTGCCCGCATATCTAATGCCCCAGGGAAACCACGTCGAAAGCCCTCGCTGACATAGA[T>A]CATCCAAGATGTGTAACGGTCCTTCAGGTTGTACAGCACGGCTGGCTCATTCAGGTGCGT-3'
Protein context (NP_002461.2, residues 105-125): NLKDRYTSWM[Ile115Phe]YTYSGLFCVT